The following is an entry in ClinVar:

NM_000132.4(F8):c.206T>C (p.Leu69Pro)

Gene: F8 (coagulation factor VIII; minus strand). Cytogenetic location: Xq28.
Variant type: single nucleotide variant.
Coding change: c.206T>C on transcript NM_000132.4 (MANE Select); coding-DNA position 206, T replaced by C.
Protein change: p.Leu69Pro; replaces leucine 69 with proline.
Molecular consequence: missense variant.
Genome position (GRCh38, 1-based): chrX:154,999,538, A>G on the plus strand (T>C on the coding strand, the complement: F8 is on the minus strand). VCF-style: chrX-154999538-A-G. GRCh37 (hg19) VCF-style: chrX-154227813-A-G.
Other names: short protein forms L69P.
Identifiers: ClinVar variation 3907432 (VCV003907432.1).

ClinVar aggregate classification (germline): Pathogenic (1 of 4 stars; one submission).

Conditions:
Hereditary factor VIII deficiency disease (HEMA). Also called: HEMOPHILIA, CLASSIC; AUTOSOMAL HEMOPHILIA A; Hemophilia A; Hemophilia A, congenital; HEM A; Factor 8 deficiency, congenital. Identifiers: Orphanet 98878, MedGen C0019069, MONDO:0010602, OMIM 306700.

Submission:

Women's Health and Genetics/Laboratory Corporation of America, LabCorp
Classification: Pathogenic for Hereditary factor VIII deficiency disease. Last evaluated: 2025-06-03. Review status: criteria provided, single submitter. Criteria: LabCorp Variant Classification Summary - May 2015. Collection method: clinical testing. Allele origin: germline.
Comment: Variant summary: F8 c.206T>C (p.Leu69Pro) results in a non-conservative amino acid change in the encoded protein sequence. This variant is also known as L50P in the literature. Algorithms developed to predict the effect of missense changes on protein structure and function all suggest that this variant is likely to be disruptive. The variant was absent in 183476 control chromosomes. c.206T>C has been observed in multiple individuals affected with Factor VIII Deficiency (Hemophilia A) (e.g.David_2006, Pratt_2023). These data indicate that the variant is very likely to be associated with disease. The following publications have been ascertained in the context of this evaluation (PMID: 36459498, 16769589). No submitters have cited clinical-significance assessments for this variant to ClinVar. Based on the evidence outlined above, the variant was classified as pathogenic.

Literature cited by the submitters: PubMed 16769589; PubMed 36459498.